The following is an entry in ClinVar:

ClinVar aggregate classification (germline): Pathogenic (1 of 4 stars; one submission).

Conditions:
Marfan syndrome (MFS). Also called: MARFAN SYNDROME, TYPE I; Marfan syndrome type 1; Marfan's syndrome; Marfan syndrome, classic; FBN1-Related Marfan Syndrome. Identifiers: Orphanet 284963, Orphanet 558, MedGen C0024796, MONDO:0007947, OMIM 154700.
Familial thoracic aortic aneurysm and aortic dissection (TAAD). Also called: Thoracic aortic aneurysms and dissections. Identifiers: Orphanet 91387, MedGen C4707243, MONDO:0019625.

Submission:

Labcorp Genetics (formerly Invitae), Labcorp
Classification: Pathogenic for Marfan syndrome; Familial thoracic aortic aneurysm and aortic dissection. Last evaluated: 2023-02-13. Review status: criteria provided, single submitter. Criteria: Invitae Variant Classification Sherloc (09022015). Collection method: clinical testing. Allele origin: unknown.
Comment: This variant is a gross deletion of the genomic region encompassing exon(s) 25-26 of the FBN1 gene. This variant would be expected to be in-frame, preserving the integrity of the reading frame. This variant has not been reported in the literature in individuals affected with FBN1-related conditions. This variant disrupts a region of the FBN1 protein in which other variant(s) (p.Cys1068Arg) have been determined to be pathogenic (PMID: 15264290, 19293843). This suggests that this is a clinically significant region of the protein, and that variants that disrupt it are likely to be disease-causing. For these reasons, this variant has been classified as Pathogenic.

Literature cited by the submitters: PubMed 15264290; PubMed 19293843.

NC_000015.9:g.(?_48780450)_(48783088_?)del

Gene: FBN1 (fibrillin 1; minus strand). Cytogenetic location: 15q21.1.
Variant type: Deletion.
Identifiers: ClinVar variation 3243722 (VCV003243722.1).